The following is an entry in ClinVar:

NM_006329.4(FBLN5):c.1334A>C (p.Gln445Pro)

Gene: FBLN5 (fibulin 5; minus strand). Cytogenetic location: 14q32.12.
Variant type: single nucleotide variant.
Coding change: c.1334A>C on transcript NM_006329.4 (MANE Select); coding-DNA position 1334, A replaced by C.
Protein change: p.Gln445Pro; replaces glutamine 445 with proline.
Molecular consequence: missense variant. On other transcripts: 3 prime UTR variant (2).
Genome position (GRCh38, 1-based): chr14:91,870,237, T>G on the plus strand (A>C on the coding strand, the complement: FBLN5 is on the minus strand). VCF-style: chr14-91870237-T-G. GRCh37 (hg19) VCF-style: chr14-92336581-T-G.
Other names: c.1457A>C, p.Gln486Pro (NM_001384158.1); c.1385A>C, p.Gln462Pro (NM_001384159.1); c.*118A>C (NM_001384160.1, NM_001384161.1); c.1166A>C, p.Gln389Pro (NM_001384162.1); short protein forms Q486P, Q445P, Q389P, Q462P.
Identifiers: ClinVar variation 2987943 (VCV002987943.4), dbSNP rs1172692991, ClinGen allele CA390638956.

ClinVar aggregate classification (germline): Uncertain significance. Review status: criteria provided, multiple submitters, no conflicts (2 of 4 stars). 2 submissions from 2 submitters: Uncertain significance (2). Last evaluated 2024-01-09.

Conditions:
Inborn genetic diseases. Identifiers: MedGen C0950123, MeSH D030342.

gnomAD v4.1: 1 of 1,614,248 alleles (0.000062%); highest among the groups gnomAD compares: South Asian, 0.0011%; no homozygotes.

Submissions (2):

Ambry Genetics
Classification: Uncertain significance for Inborn genetic diseases. Last evaluated: 2024-01-09. Review status: criteria provided, single submitter. Criteria: Ambry Variant Classification Scheme 2023. Collection method: clinical testing. Allele origin: germline.

Labcorp Genetics (formerly Invitae), Labcorp
Classification: Uncertain significance. Last evaluated: 2023-12-28. Review status: criteria provided, single submitter. Criteria: Invitae Variant Classification Sherloc (09022015). Collection method: clinical testing. Allele origin: germline.
Comment: This sequence change replaces glutamine, which is neutral and polar, with proline, which is neutral and non-polar, at codon 445 of the FBLN5 protein (p.Gln445Pro). This variant is not present in population databases (gnomAD no frequency). This variant has not been reported in the literature in individuals affected with FBLN5-related conditions. Advanced modeling of protein sequence and biophysical properties (such as structural, functional, and spatial information, amino acid conservation, physicochemical variation, residue mobility, and thermodynamic stability) performed at Invitae indicates that this missense variant is not expected to disrupt FBLN5 protein function with a negative predictive value of 80%. In summary, the available evidence is currently insufficient to determine the role of this variant in disease. Therefore, it has been classified as a Variant of Uncertain Significance.